The following is an entry in ClinVar:

NM_000038.6(APC):c.2860T>A (p.Leu954Ile)

Gene: APC (APC regulator of Wnt signaling pathway; plus strand). Cytogenetic location: 5q22.2.
Variant type: single nucleotide variant.
Coding change: c.2860T>A on transcript NM_000038.6 (MANE Select); coding-DNA position 2860, T replaced by A.
Protein change: p.Leu954Ile; replaces leucine 954 with isoleucine.
Molecular consequence: missense variant.
Genome position (GRCh38, 1-based): chr5:112,838,454, T>A. VCF-style: chr5-112838454-T-A. GRCh37 (hg19) VCF-style: chr5-112174151-T-A.
Other names: c.2860T>A (NM_000038.5); c.2860T>A, p.Leu954Ile (NM_001127510.3, NM_001354895.2); c.2806T>A, p.Leu936Ile (NM_001127511.3); c.2914T>A, p.Leu972Ile (NM_001354896.2); c.2890T>A, p.Leu964Ile (NM_001354897.2); c.2785T>A, p.Leu929Ile (NM_001354898.2); c.2776T>A, p.Leu926Ile (NM_001354899.2); c.2737T>A, p.Leu913Ile (NM_001354900.2); and 6 more; short protein forms L828I, L863I, L926I, L972I, L936I, L954I, L964I, L853I.
Identifiers: ClinVar variation 1043396 (VCV001043396.11), dbSNP rs863224278, ClinGen allele CA16027567.

ClinVar aggregate classification (germline): Uncertain significance. Review status: criteria provided, multiple submitters, no conflicts (2 of 4 stars). 2 submissions from 2 submitters: Uncertain significance (2). Last evaluated 2024-08-08.

Conditions:
Familial adenomatous polyposis 1 (FAP1). Also called: FAMILIAL ADENOMATOUS POLYPOSIS 1, ATTENUATED; POLYPOSIS, ADENOMATOUS INTESTINAL. Identifiers: MedGen C2713442, MONDO:0021056, OMIM 175100. Disease mechanism: loss of function.
Hereditary cancer-predisposing syndrome. Also called: Hereditary Cancer Syndrome; Tumor predisposition; Hereditary neoplastic syndrome; Neoplastic Syndromes, Hereditary. Identifiers: Orphanet 140162, MedGen C0027672, MeSH D009386, MONDO:0015356.

Submissions (2):

Labcorp Genetics (formerly Invitae), Labcorp
Classification: Uncertain significance for Familial adenomatous polyposis 1. Last evaluated: 2024-08-08. Review status: criteria provided, single submitter. Criteria: Invitae Variant Classification Sherloc (09022015). Collection method: clinical testing. Allele origin: germline.
Comment: This sequence change replaces leucine, which is neutral and non-polar, with isoleucine, which is neutral and non-polar, at codon 954 of the APC protein (p.Leu954Ile). This variant is not present in population databases (gnomAD no frequency). This variant has not been reported in the literature in individuals affected with APC-related conditions. ClinVar contains an entry for this variant (Variation ID: 1043396). Advanced modeling of protein sequence and biophysical properties (such as structural, functional, and spatial information, amino acid conservation, physicochemical variation, residue mobility, and thermodynamic stability) performed at Invitae indicates that this missense variant is not expected to disrupt APC protein function with a negative predictive value of 95%. In summary, the available evidence is currently insufficient to determine the role of this variant in disease. Therefore, it has been classified as a Variant of Uncertain Significance.

Ambry Genetics
Classification: Uncertain significance for Hereditary cancer-predisposing syndrome. Last evaluated: 2023-08-01. Review status: criteria provided, single submitter. Criteria: Ambry Variant Classification Scheme 2023. Collection method: clinical testing. Allele origin: germline.
Comment: The p.L954I variant (also known as c.2860T>A), located in coding exon 15 of the APC gene, results from a T to A substitution at nucleotide position 2860. The leucine at codon 954 is replaced by isoleucine, an amino acid with highly similar properties. This amino acid position is conserved. In addition, in silico predictors for this gene do not accurately predict pathogenicity. Since supporting evidence is limited at this time, the clinical significance of this alteration remains unclear.